The following is an entry in ClinVar:

NM_004530.6(MMP2):c.1670C>T (p.Thr557Ile)

Gene: MMP2 (matrix metallopeptidase 2; plus strand). Cytogenetic location: 16q12.2.
Variant type: single nucleotide variant.
Coding change: c.1670C>T on transcript NM_004530.6 (MANE Select); coding-DNA position 1670, C replaced by T.
Protein change: p.Thr557Ile; replaces threonine 557 with isoleucine.
Molecular consequence: missense variant.
Genome position (GRCh38, 1-based): chr16:55,498,349, C>T. VCF-style: chr16-55498349-C-T. GRCh37 (hg19) VCF-style: chr16-55532261-C-T.
Other names: c.1520C>T, p.Thr507Ile (NM_001127891.3); c.1442C>T, p.Thr481Ile (NM_001302508.1, NM_001302509.2, NM_001302510.2); short protein forms T507I, T481I, T557I.
Identifiers: ClinVar variation 1509287 (VCV001509287.5), dbSNP rs779640817, ClinGen allele CA8060526.

ClinVar aggregate classification (germline): Uncertain significance (1 of 4 stars; one submission).

Allele frequency attached by ClinVar (database versions not stated): gnomAD exomes below 0.00001; ExAC 0.00001; TOPMed 0.00002; gnomAD 0.00003 and 0.00004.
gnomAD v4.1: 7 of 1,614,138 alleles (0.00043%); highest among the groups gnomAD compares: African/African-American, 0.008%; no homozygotes.

Submission:

Labcorp Genetics (formerly Invitae), Labcorp
Classification: Uncertain significance. Last evaluated: 2022-07-05. Review status: criteria provided, single submitter. Criteria: Invitae Variant Classification Sherloc (09022015). Collection method: clinical testing. Allele origin: germline.
Comment: This sequence change replaces threonine, which is neutral and polar, with isoleucine, which is neutral and non-polar, at codon 557 of the MMP2 protein (p.Thr557Ile). This variant is present in population databases (rs779640817, gnomAD 0.008%). This variant has not been reported in the literature in individuals affected with MMP2-related conditions. ClinVar contains an entry for this variant (Variation ID: 1509287). Algorithms developed to predict the effect of missense changes on protein structure and function are either unavailable or do not agree on the potential impact of this missense change (SIFT: "Tolerated"; PolyPhen-2: "Possibly Damaging"; Align-GVGD: "Class C0"). In summary, the available evidence is currently insufficient to determine the role of this variant in disease. Therefore, it has been classified as a Variant of Uncertain Significance.